The following is an entry in ClinVar:

NM_002691.4(POLD1):c.1892+1G>A

Gene: POLD1 (DNA polymerase delta 1, catalytic subunit; plus strand). Cytogenetic location: 19q13.33.
Variant type: single nucleotide variant.
Coding change: c.1892+1G>A on transcript NM_002691.4 (MANE Select); the canonical splice donor site of the intron after coding-DNA position 1892, G replaced by A.
Molecular consequence: splice donor variant.
Genome position (GRCh38, 1-based): chr19:50,408,902, G>A. VCF-style: chr19-50408902-G-A. GRCh37 (hg19) VCF-style: chr19-50912159-G-A.
Other names: c.1892+1G>A (NM_001256849.1, NM_001438212.1, NM_001438213.1 and 2 more transcripts); c.1970+1G>A (NM_001308632.1).
Identifiers: ClinVar variation 4975022 (VCV004975022.1).
Genomic context (GRCh38, chr19:50,408,902, plus strand): 5'-GATGGCCCACAACCTGTGTTACACCACGCTCCTTCGGCCCGGGACTGCACAGAAACTGGG[G>A]TATAGTGCCCAATTCAGCATGTGTCCCCCGAGGCCCATCTGGGCCTTCCCTTGGGGGGCT-3'

ClinVar aggregate classification (germline): Uncertain significance (1 of 4 stars; one submission).

Conditions:
Hereditary cancer-predisposing syndrome. Also called: Neoplastic Syndromes, Hereditary; Tumor predisposition; Hereditary neoplastic syndrome; Hereditary Cancer Syndrome. Identifiers: Orphanet 140162, MedGen C0027672, MeSH D009386, MONDO:0015356.

Submission:

Umrani?ye Training and Research Hospital
Classification: Uncertain significance for Hereditary cancer-predisposing syndrome. Last evaluated: 2026-09-12. Review status: criteria provided, single submitter. Criteria: ACMG Guidelines, 2015. Collection method: clinical testing. Allele origin: germline. Affected: yes. Observed: 1 variant allele.
Comment: Reassessed 2026-09-12 under ACMG/AMP 2015 with ClinGen SVI recommendations. Criteria met: PM2_Supporting. Not met: PVS1, PP3. gnomAD v4.1: Absent.